The following is an entry in ClinVar:

NM_016573.4(GMIP):c.1323C>T (p.Ser441=)

Gene: GMIP (GEM interacting protein; minus strand). Cytogenetic location: 19p13.11.
Variant type: single nucleotide variant.
Coding change: c.1323C>T on transcript NM_016573.4 (MANE Select); coding-DNA position 1323, C replaced by T.
Protein change: p.Ser441=; no amino-acid change (serine 441 retained).
Molecular consequence: synonymous variant.
Genome position (GRCh38, 1-based): chr19:19,636,711, G>A on the plus strand (C>T on the coding strand, the complement: GMIP is on the minus strand). VCF-style: chr19-19636711-G-A. GRCh37 (hg19) VCF-style: chr19-19747520-G-A.
Other names: c.1314C>T, p.Ser438= (NM_001288998.2); c.1323C>T, p.Ser441= (NM_001288999.2).
Identifiers: ClinVar variation 4083592 (VCV004083592.8).
Genomic context (GRCh38, chr19:19,636,711, plus strand): 5'-GGGGCTGGAGGATGGTCACAGGTGGAGTGTGGGTCAGGACCAGGTCCTATCCCTACCTGG[G>A]CTGGAAGTGGGTGAGTCCAGGGACCGAGACTCGCTGCCGCCACCCACGCTGTCCACATCG-3'
Protein context (NP_057657.2, residues 431-451): ESRSLDSPTS[Ser441=]PGAGTRQLVK

ClinVar aggregate classification (germline): Likely benign (1 of 4 stars; one submission).

Submission:

CeGaT Center for Human Genetics Tuebingen
Classification: Likely benign. Last evaluated: 2025-07-01. Review status: criteria provided, single submitter. Criteria: CeGaT Center For Human Genetics Tuebingen Variant Classification Criteria Version 2. Collection method: clinical testing. Allele origin: germline. Affected: yes. Observed: 1 variant allele.
Comment: GMIP: BP4, BP7, BS2